The following is an entry in ClinVar:

ClinVar aggregate classification (germline): Uncertain significance (1 of 4 stars; one submission).

Conditions:
Developmental and epileptic encephalopathy 94 (DEE94). Also called: CHD2-Related Neurodevelopmental Disorders; Epileptic encephalopathy, childhood-onset. Identifiers: Orphanet 1942, Orphanet 2382, MedGen C3809278, MONDO:0014150, OMIM 615369.

Submission:

Labcorp Genetics (formerly Invitae), Labcorp
Classification: Uncertain significance for Developmental and epileptic encephalopathy 94. Last evaluated: 2025-07-23. Review status: criteria provided, single submitter. Criteria: Invitae Variant Classification Sherloc (09022015). Collection method: clinical testing. Allele origin: germline.
Comment: This sequence change replaces proline, which is neutral and non-polar, with leucine, which is neutral and non-polar, at codon 1581 of the CHD2 protein (p.Pro1581Leu). This variant is not present in population databases (gnomAD no frequency). This variant has not been reported in the literature in individuals affected with CHD2-related conditions. Invitae Evidence Modeling of protein sequence and biophysical properties (such as structural, functional, and spatial information, amino acid conservation, physicochemical variation, residue mobility, and thermodynamic stability) indicates that this missense variant is not expected to disrupt CHD2 protein function with a negative predictive value of 95%. In summary, the available evidence is currently insufficient to determine the role of this variant in disease. Therefore, it has been classified as a Variant of Uncertain Significance.

NM_001271.4(CHD2):c.4742C>T (p.Pro1581Leu)

Gene: CHD2 (chromodomain helicase DNA binding protein 2; plus strand). Cytogenetic location: 15q26.1.
Variant type: single nucleotide variant.
Coding change: c.4742C>T on transcript NM_001271.4 (MANE Select); coding-DNA position 4742, C replaced by T.
Protein change: p.Pro1581Leu; replaces proline 1581 with leucine.
Molecular consequence: missense variant.
Genome position (GRCh38, 1-based): chr15:93,014,745, C>T. VCF-style: chr15-93014745-C-T. GRCh37 (hg19) VCF-style: chr15-93557975-C-T.
Other names: short protein forms P1581L.
Identifiers: ClinVar variation 4812218 (VCV004812218.1).